The following is an entry in ClinVar:

ClinVar aggregate classification (germline): Pathogenic (1 of 4 stars; one submission).

Submission:

GeneDx
Classification: Pathogenic. Last evaluated: 2024-07-26. Review status: criteria provided, single submitter. Criteria: GeneDx Variant Classification Process June 2021. Collection method: clinical testing. Allele origin: germline. Affected: yes.
Comment: Not observed at significant frequency in large population cohorts (gnomAD); In silico analysis supports that this missense variant has a deleterious effect on protein structure/function; Has not been previously published as pathogenic or benign to our knowledge

NM_001744.6(CAMK4):c.929T>C (p.Met310Thr)

Gene: CAMK4 (calcium/calmodulin dependent protein kinase IV; plus strand). Cytogenetic location: 5q22.1.
Variant type: single nucleotide variant.
Coding change: c.929T>C on transcript NM_001744.6 (MANE Select); coding-DNA position 929, T replaced by C.
Protein change: p.Met310Thr; replaces methionine 310 with threonine.
Molecular consequence: missense variant.
Genome position (GRCh38, 1-based): chr5:111,482,885, T>C. VCF-style: chr5-111482885-T-C. GRCh37 (hg19) VCF-style: chr5-110818583-T-C.
Other names: c.929T>C, p.Met310Thr (NM_001323374.2, NM_001323375.2); c.338T>C, p.Met113Thr (NM_001323376.2, NM_001323377.2); short protein forms M113T, M310T.
Identifiers: ClinVar variation 2507053 (VCV002507053.2), dbSNP rs2532040581, ClinGen allele CA360607203.
Genomic context (GRCh38, chr5:111,482,885, plus strand): 5'-CTACATTTCAAGCTCTCCAGCATCCGTGGGTCACAGGTAAAGCAGCCAATTTTGTACACA[T>C]GGATACCGCTCAAAAGAAGCTCCAAGAATTCAATGCCCGGCGTAAGCTTAAGGTAAGATA-3'
Protein context (NP_001735.1, residues 300-320): VTGKAANFVH[Met310Thr]DTAQKKLQEF